The following is an entry in ClinVar:

ClinVar aggregate classification (germline): Uncertain significance (1 of 4 stars; one submission).

Submission:

Labcorp Genetics (formerly Invitae), Labcorp
Classification: Uncertain significance. Last evaluated: 2022-08-24. Review status: criteria provided, single submitter. Criteria: Invitae Variant Classification Sherloc (09022015). Collection method: clinical testing. Allele origin: germline.
Comment: Algorithms developed to predict the effect of missense changes on protein structure and function are either unavailable or do not agree on the potential impact of this missense change (SIFT: "Tolerated"; PolyPhen-2: "Possibly Damaging"; Align-GVGD: "Class C0"). This variant has not been reported in the literature in individuals affected with LZTS1-related conditions. This variant is not present in population databases (gnomAD no frequency). This sequence change replaces glutamine, which is neutral and polar, with histidine, which is basic and polar, at codon 481 of the LZTS1 protein (p.Gln481His). In summary, the available evidence is currently insufficient to determine the role of this variant in disease. Therefore, it has been classified as a Variant of Uncertain Significance.

NM_021020.5(LZTS1):c.1443G>C (p.Gln481His)

Gene: LZTS1 (leucine zipper tumor suppressor 1; minus strand). Cytogenetic location: 8p21.3.
Variant type: single nucleotide variant.
Coding change: c.1443G>C on transcript NM_021020.5 (MANE Select); coding-DNA position 1443, G replaced by C.
Protein change: p.Gln481His; replaces glutamine 481 with histidine.
Molecular consequence: missense variant.
Genome position (GRCh38, 1-based): chr8:20,250,070, C>G on the plus strand (G>C on the coding strand, the complement: LZTS1 is on the minus strand). VCF-style: chr8-20250070-C-G. GRCh37 (hg19) VCF-style: chr8-20107581-C-G.
Other names: c.1443G>C, p.Gln481His (NM_001362884.2); short protein forms Q481H.
Identifiers: ClinVar variation 2026853 (VCV002026853.4), dbSNP rs2486297692, ClinGen allele CA370476126.